The following is an entry in ClinVar:

NM_000553.6(WRN):c.2272A>G (p.Ser758Gly)

Gene: WRN (WRN RecQ like helicase; plus strand). Cytogenetic location: 8p12.
Variant type: single nucleotide variant.
Coding change: c.2272A>G on transcript NM_000553.6 (MANE Select); coding-DNA position 2272, A replaced by G.
Protein change: p.Ser758Gly; replaces serine 758 with glycine.
Molecular consequence: missense variant.
Genome position (GRCh38, 1-based): chr8:31,111,798, A>G. VCF-style: chr8-31111798-A-G. GRCh37 (hg19) VCF-style: chr8-30969314-A-G.
Other names: short protein forms S758G.
Identifiers: ClinVar variation 2107588 (VCV002107588.5), dbSNP rs2535969495, ClinGen allele CA370912939.

ClinVar aggregate classification (germline): Uncertain significance (1 of 4 stars; one submission).

Conditions:
Werner syndrome (WRN). Identifiers: Orphanet 902, MedGen C0043119, MONDO:0010196, OMIM 277700.

Submission:

Labcorp Genetics (formerly Invitae), Labcorp
Classification: Uncertain significance for Werner syndrome. Last evaluated: 2024-11-05. Review status: criteria provided, single submitter. Criteria: Invitae Variant Classification Sherloc (09022015). Collection method: clinical testing. Allele origin: germline.
Comment: This sequence change replaces serine, which is neutral and polar, with glycine, which is neutral and non-polar, at codon 758 of the WRN protein (p.Ser758Gly). This variant is not present in population databases (gnomAD no frequency). This variant has not been reported in the literature in individuals affected with WRN-related conditions. ClinVar contains an entry for this variant (Variation ID: 2107588). An algorithm developed to predict the effect of missense changes on protein structure and function outputs the following: PolyPhen-2: "Benign". The glycine amino acid residue is found in multiple mammalian species, which suggests that this missense change does not adversely affect protein function. In summary, the available evidence is currently insufficient to determine the role of this variant in disease. Therefore, it has been classified as a Variant of Uncertain Significance.